The following is an entry in ClinVar:

NM_201548.5(CERKL):c.93del (p.Leu32fs)

Gene: CERKL (CERK like autophagy regulator; minus strand). Cytogenetic location: 2q31.3.
Variant type: Deletion.
Coding change: c.93del on transcript NM_201548.5 (MANE Select); coding-DNA position 93, one base deleted (G; older notation c.93delG).
Protein change: p.Leu32fs; shifts the reading frame from leucine 32.
Molecular consequence: frameshift variant. On other transcripts: non-coding transcript variant (2).
Genome position (GRCh38, 1-based): chr2:181,656,914, C deleted on the plus strand (G on the coding strand, the reverse complement: CERKL is on the minus strand). VCF-style (leftmost placement, unchanged base first): chr2-181656913-GC-G. GRCh37 (hg19) VCF-style: chr2-182521640-GC-G.
Other names: c.93del, p.Leu32fs (NM_001030311.3, NM_001030312.3, NM_001030313.3 and 1 more transcripts); c.93delG, p.Leu32Cysfs (NM_001030314.1, NM_001030315.1); short protein forms L32fs.
Identifiers: ClinVar variation 2680671 (VCV002680671.4), dbSNP rs2468582909, ClinGen allele CA2662210836.

ClinVar aggregate classification (germline): Pathogenic/Likely pathogenic. Review status: criteria provided, multiple submitters, no conflicts (2 of 4 stars). 2 submissions from 2 submitters: Pathogenic (1); Likely pathogenic (1). Last evaluated 2023-07-03.

Conditions:
Retinitis pigmentosa 26 (RP26). Identifiers: Orphanet 791, MedGen C1842127, MONDO:0012024, OMIM 608380.

Allele frequency attached by ClinVar (database versions not stated): gnomAD exomes below 0.00001.

Submissions (2):

Baylor Genetics
Classification: Likely pathogenic for Retinitis pigmentosa 26. Last evaluated: 2023-07-03. Review status: criteria provided, single submitter. Criteria: ACMG Guidelines, 2015. Collection method: clinical testing. Allele origin: unknown.

Labcorp Genetics (formerly Invitae), Labcorp
Classification: Pathogenic. Last evaluated: 2023-03-08. Review status: criteria provided, single submitter. Criteria: Invitae Variant Classification Sherloc (09022015). Collection method: clinical testing. Allele origin: germline.
Comment: For these reasons, this variant has been classified as Pathogenic. This sequence change creates a premature translational stop signal (p.Leu32Cysfs*2) in the CERKL gene. It is expected to result in an absent or disrupted protein product. Loss-of-function variants in CERKL are known to be pathogenic (PMID: 14681825, 23591405, 24043777). This variant is not present in population databases (gnomAD no frequency). This variant has not been reported in the literature in individuals affected with CERKL-related conditions. Algorithms developed to predict the effect of sequence changes on RNA splicing suggest that this variant may create or strengthen a splice site.

Literature cited by the submitters: PubMed 14681825 (cited by Labcorp Genetics (formerly Invitae), Labcorp); PubMed 23591405 (cited by Labcorp Genetics (formerly Invitae), Labcorp); PubMed 24043777 (cited by Labcorp Genetics (formerly Invitae), Labcorp).